The following is an entry in ClinVar:

NM_000368.5(TSC1):c.2110T>C (p.Tyr704His)

Gene: TSC1 (TSC complex subunit 1; minus strand). Cytogenetic location: 9q34.13.
Variant type: single nucleotide variant.
Coding change: c.2110T>C on transcript NM_000368.5 (MANE Select); coding-DNA position 2110, T replaced by C.
Protein change: p.Tyr704His; replaces tyrosine 704 with histidine.
Molecular consequence: missense variant. On other transcripts: non-coding transcript variant (4).
Genome position (GRCh38, 1-based): chr9:132,903,749, A>G on the plus strand (T>C on the coding strand, the complement: TSC1 is on the minus strand). VCF-style: chr9-132903749-A-G. GRCh37 (hg19) VCF-style: chr9-135779136-A-G.
Other names: c.2107T>C, p.Tyr703His (NM_001162426.2, NM_001406597.1, NM_001406598.1 and 4 more transcripts); c.1957T>C, p.Tyr653His (NM_001162427.2, NM_001406610.1); c.1747T>C, p.Tyr583His (NM_001362177.2, NM_001406614.1, NM_001406615.1 and 5 more transcripts); c.2110T>C, p.Tyr704His (NM_001406592.1, NM_001406593.1, NM_001406594.1 and 5 more transcripts); c.1954T>C, p.Tyr652His (NM_001406611.1, NM_001406612.1, NM_001406613.1); c.1057T>C, p.Tyr353His (NM_001406629.1, NM_001406630.1); c.2095T>C, p.Tyr699His (NM_001406601.1, NM_001406602.1); c.2092T>C, p.Tyr698His (NM_001406603.1, NM_001406604.1); and 3 more; short protein forms Y583H, Y653H, Y353H, Y582H, Y652H, Y703H, Y704H, Y698H.
Identifiers: ClinVar variation 3974545 (VCV003974545.2).

ClinVar aggregate classification (germline): Uncertain significance. Review status: criteria provided, multiple submitters, no conflicts (2 of 4 stars). 2 submissions from 2 submitters: Uncertain significance (2). Last evaluated 2026-01-26.

Conditions:
Hereditary cancer-predisposing syndrome. Also called: Tumor predisposition; Neoplastic Syndromes, Hereditary; Hereditary Cancer Syndrome; Hereditary neoplastic syndrome. Identifiers: Orphanet 140162, MedGen C0027672, MeSH D009386, MONDO:0015356.
Tuberous sclerosis 1 (TSC1). Identifiers: Orphanet 805, MedGen C1854465, MONDO:0008612, OMIM 191100.

Submissions (2):

Victorian Clinical Genetics Services, Murdoch Childrens Research Institute
Classification: Uncertain significance for Tuberous sclerosis 1. Last evaluated: 2026-01-26. Review status: criteria provided, single submitter. Criteria: ACMG Guidelines, 2015. Collection method: clinical testing. Allele origin: germline. Affected: yes.
Comment: This variant is classified as VUS-3B. Evidence in support of pathogenic classification: Variant is absent from gnomAD (v2, v3 and v4); Missense variant predicted to be damaging by in silico tool(s) or highly conserved with a major amino acid change. Additional information: Variant is predicted to result in a missense amino acid change from Tyr to His; This variant is heterozygous; This gene is associated with autosomal dominant disease; Alternative amino acid change(s) at the same position are present in gnomAD (highest allele count: v4: 3 heterozygote(s), 0 homozygote(s)); Previous evidence of pathogenicity for this variant is inconclusive. It has been classified as a variant of uncertain significance by a clinical laboratory (ClinVar); No published evidence of segregation with disease has been identified for this variant; No published functional evidence has been identified for this variant; Other missense variants comparable to the one identified in this case have inconclusive previous evidence for pathogenicity. p.(Tyr704Phe), p.(Tyr704Ser), and p.(Tyr704Asn) have been classified as variants of uncertain significance by clinical laboratories (ClinVar). In addition, p.(Tyr704Cys) has been classified as a variant of uncertain significance and likely benign by clinical laboratories (ClinVar) and reported as a VUS in an individual with clinical suspicion of tuberous sclerosis complex (PMID: 32917966); Variant is located in the annotated hamartin domain (DECIPHER) - Loss of function is a known mechanism of disease in this gene and is associated with tuberous sclerosis-1 (MIM#191100); Variants in this gene are known to have variable expressivity (OMIM).

Ambry Genetics
Classification: Uncertain significance for Hereditary cancer-predisposing syndrome. Last evaluated: 2025-03-28. Review status: criteria provided, single submitter. Criteria: Ambry Variant Classification Scheme 2023. Collection method: clinical testing. Allele origin: germline.
Comment: The p.Y704H variant (also known as c.2110T>C), located in coding exon 15 of the TSC1 gene, results from a T to C substitution at nucleotide position 2110. The tyrosine at codon 704 is replaced by histidine, an amino acid with similar properties. This amino acid position is conserved. In addition, this alteration is predicted to be deleterious by in silico analysis. Based on the available evidence, the clinical significance of this variant remains unclear.

Literature cited by the submitters: PubMed 32917966 (cited by Victorian Clinical Genetics Services, Murdoch Childrens Research Institute).